The following is an entry in ClinVar:

ClinVar aggregate classification (germline): Uncertain significance (1 of 4 stars; one submission).

Conditions:
Aortic aneurysm, familial thoracic 6 (AAT6). Also called: FAMILIAL THORACIC AORTIC ANEURYSM WITH LIVEDO RETICULARIS AND IRIS FLOCCULI. Identifiers: MedGen C2673186, MONDO:0012730, OMIM 611788.

Submission:

Labcorp Genetics (formerly Invitae), Labcorp
Classification: Uncertain significance for Aortic aneurysm, familial thoracic 6. Last evaluated: 2022-08-20. Review status: criteria provided, single submitter. Criteria: Invitae Variant Classification Sherloc (09022015). Collection method: clinical testing. Allele origin: germline.
Comment: This variant has not been reported in the literature in individuals affected with ACTA2-related conditions. Experimental studies and prediction algorithms are not available or were not evaluated, and the functional significance of this variant is currently unknown. This variant, c.140_142del, results in the deletion of 1 amino acid(s) of the ACTA2 protein (p.Val47del), but otherwise preserves the integrity of the reading frame. This variant is not present in population databases (gnomAD no frequency). In summary, the available evidence is currently insufficient to determine the role of this variant in disease. Therefore, it has been classified as a Variant of Uncertain Significance.

NM_001613.4(ACTA2):c.137TGG[1] (p.Val47del)

Gene: ACTA2 (actin alpha 2, smooth muscle; minus strand). Cytogenetic location: 10q23.31.
Variant type: Microsatellite.
Coding change: c.137TGG[1] on transcript NM_001613.4 (MANE Select); one copy of the 3-base unit TGG starting at c.137; the reference has two copies in a row; one copy, 3 bases deleted.
Protein change: p.Val47del; deletes valine 47.
Molecular consequence: inframe deletion. On other transcripts: inframe indel (7).
Genome position (GRCh38, 1-based): chr10:88,947,374-88,947,376, CCA deleted on the plus strand (TGG on the coding strand, the reverse complement: ACTA2 is on the minus strand); deleting any 3 consecutive bases within chr10:88,947,374-88,947,379 gives the same sequence; the position shown is the placement nearest the transcript's 3' end. VCF-style (leftmost placement, unchanged base first): chr10-88947373-CCCA-C. GRCh37 (hg19) VCF-style: chr10-90707130-CCCA-C.
Other names: c.137_139TGG[1], p.Val47del (NM_001141945.3, NM_001320855.2, NM_001406462.1 and 4 more transcripts); short protein forms V47del.
Identifiers: ClinVar variation 2025269 (VCV002025269.4), dbSNP rs2494571122, ClinGen allele CA2580615565.